The following is an entry in ClinVar:

ClinVar aggregate classification (germline): Uncertain significance. Review status: criteria provided, multiple submitters, no conflicts (2 of 4 stars). 2 submissions from 2 submitters: Uncertain significance (2). Last evaluated 2026-02-05.

Conditions:
Inborn genetic diseases. Identifiers: MedGen C0950123, MeSH D030342.

Submissions (2):

GeneDx
Classification: Uncertain significance. Last evaluated: 2026-02-05. Review status: criteria provided, single submitter. Criteria: GeneDx Variant Classification Process June 2021. Collection method: clinical testing. Allele origin: germline.
Comment: Not observed at significant frequency in large population cohorts (gnomAD); In silico analysis suggests that this missense variant does not alter protein structure/function; Has not been previously published as pathogenic or benign to our knowledge

Ambry Genetics
Classification: Uncertain significance for Inborn genetic diseases. Last evaluated: 2025-11-11. Review status: criteria provided, single submitter. Criteria: Ambry Variant Classification Scheme 2023. Collection method: clinical testing. Allele origin: germline.

NM_001242896.3(DEPDC5):c.1906A>G (p.Thr636Ala)

Gene: DEPDC5 (DEP domain containing 5, GATOR1 subcomplex subunit; plus strand). Cytogenetic location: 22q12.3.
Variant type: single nucleotide variant.
Coding change: c.1906A>G on transcript NM_001242896.3 (MANE Select); coding-DNA position 1906, A replaced by G.
Protein change: p.Thr636Ala; replaces threonine 636 with alanine.
Molecular consequence: missense variant. On other transcripts: non-coding transcript variant (4), intron variant (3).
Genome position (GRCh38, 1-based): chr22:31,821,537, A>G. VCF-style: chr22-31821537-A-G. GRCh37 (hg19) VCF-style: chr22-32217523-A-G.
Other names: c.1906A>G, p.Thr636Ala (NM_001136029.4, NM_001363852.2, NM_001364318.2 and 3 more transcripts); c.1822A>G, p.Thr608Ala (NM_001369901.1, NM_001369902.1); c.1870+2312A>G (NM_001363854.2, NM_001242897.2, NM_001364319.2); short protein forms T636A, T608A.
Identifiers: ClinVar variation 4617256 (VCV004617256.2).